The following is an entry in ClinVar:

ClinVar aggregate classification (germline): Benign/Likely benign. Review status: criteria provided, multiple submitters, no conflicts (2 of 4 stars). 16 submissions from 16 submitters: Benign (3); Likely benign (8). 5 of the submissions do not count toward it. Last evaluated 2026-01-31.

Conditions:
MYBPC3-related disorder. Also called: MYBPC3-related disorders; MYBPC3-related condition; MYBPC3-related disease.
Cardiovascular phenotype. Identifiers: MedGen CN230736.
Cardiomyopathy (CMYO). Also called: Cardiomyopathies. Identifiers: Orphanet 167848, MedGen C0878544, MONDO:0004994, HP:0001638. Inheritance: Various modes of inheritance.
Hypertrophic cardiomyopathy. Also called: HYPERTROPHIC MYOCARDIOPATHY. Identifiers: Orphanet 217569, MedGen C0007194, MeSH D002312, MONDO:0005045, HP:0001639.

Allele frequency attached by ClinVar (database versions not stated): gnomAD exomes 0.00010; ExAC 0.00043; gnomAD 0.00088 and 0.00096; ESP Exome Variant Server 0.00092; TOPMed 0.00096; 1000 Genomes Project 0.00100; 1000 Genomes Project 30x 0.00125.
gnomAD v4.1: 277 of 1,576,500 alleles (0.018%); highest among the groups gnomAD compares: African/African-American, 0.31%; 1 homozygote.

Submissions (16):

Labcorp Genetics (formerly Invitae), Labcorp
Classification: Likely benign for Hypertrophic cardiomyopathy. Last evaluated: 2026-01-31. Review status: criteria provided, single submitter. Criteria: Invitae Variant Classification Sherloc (09022015). Collection method: clinical testing. Allele origin: germline.

GeneDx
Classification: Likely benign. Last evaluated: 2025-11-21. Review status: criteria provided, single submitter. Criteria: GeneDx Variant Classification Process June 2021. Collection method: clinical testing. Allele origin: germline.
Comment: See Variant Classification Assertion Criteria.

Mayo Clinic Laboratories, Mayo Clinic
Classification: Likely benign. Last evaluated: 2025-09-30. Review status: criteria provided, single submitter. Criteria: ACMG Guidelines, 2015. Collection method: clinical testing. Allele origin: germline. Observed: 2 variant alleles.
Comment: BS1, BP4_moderate

Women's Health and Genetics/Laboratory Corporation of America, LabCorp
Classification: Likely benign. Last evaluated: 2025-07-14. Review status: criteria provided, single submitter. Criteria: LabCorp Variant Classification Summary - May 2015. Collection method: clinical testing. Allele origin: germline.
Comment: Variant summary: MYBPC3 c.2914C>T (p.Arg972Trp) results in a non-conservative amino acid change located in the Immunoglobulin-like domain (IPR007110) of the encoded protein sequence. Algorithms developed to predict the effect of missense changes on protein structure and function are either unavailable or do not agree on the potential impact of this missense change. The variant allele was found at a frequency of 0.00023 in 185800 control chromosomes, predominantly at a frequency of 0.0037 within the African or African-American subpopulation in the gnomAD database. The observed variant frequency within African or African-American control individuals in the gnomAD database is approximately 3.7 fold of the estimated maximal expected allele frequency for a pathogenic variant in MYBPC3 causing Cardiomyopathy phenotype (0.001). c.2914C>T has been reported in the literature in individuals affected with Cardiomyopathy without strong evidence of causality (Bick_2012, Burstein_2021). These reports do not provide unequivocal conclusions about association of the variant with Cardiomyopathy. To our knowledge, no experimental evidence demonstrating an impact on protein function has been reported. The following publications have been ascertained in the context of this evaluation (PMID: 22958901, 32746448). ClinVar contains an entry for this variant (Variation ID: 36609). Based on the evidence outlined above, the variant was classified as likely benign.

ARUP Laboratories, Molecular Genetics and Genomics, ARUP Laboratories
Classification: Benign. Last evaluated: 2025-05-14. Review status: criteria provided, single submitter. Criteria: ARUP Molecular Germline Variant Investigation Process 2024. Collection method: clinical testing. Allele origin: germline.

PreventionGenetics, part of Exact Sciences
Classification: Likely benign for MYBPC3-related condition. Last evaluated: 2025-03-13. Review status: criteria provided, single submitter. Criteria: ACMG Guidelines, 2015. Collection method: clinical testing. Allele origin: germline.
Comment: This variant is classified as likely benign based on ACMG/AMP sequence variant interpretation guidelines (Richards et al. 2015 PMID: 25741868, with internal and published modifications).

Blueprint Genetics
Classification: Likely benign. Last evaluated: 2024-03-19. Review status: criteria provided, single submitter. Criteria: ACMG Guidelines, 2015. Collection method: clinical testing. Allele origin: germline.

CHEO Genetics Diagnostic Laboratory, Children's Hospital of Eastern Ontario
Classification: Benign for Cardiomyopathy. Last evaluated: 2023-05-03. Review status: criteria provided, single submitter. Criteria: ACMG Guidelines, 2015. Collection method: clinical testing. Allele origin: germline. Study: Canadian Open Genetics Repository.

Laboratory for Molecular Medicine, Mass General Brigham Personalized Medicine
Classification: Benign. Last evaluated: 2022-03-23. Review status: criteria provided, single submitter. Criteria: ACMG Guidelines, 2015. Collection method: clinical testing. Allele origin: germline.
Comment: The p.Arg972Trp variant in MYBPC3 is classified as benign because it has been identified in 0.3% (58/18682) of African chromosomes by gnomAD. In addition, one mammalian species (elephant) carries a tryptophan at this position, despite high nearby amino acid conservation, further supporting a benign role. ACMG/AMP Criteria applied: BA1.

Color Diagnostics, LLC DBA Color Health
Classification: Likely benign for Cardiomyopathy. Last evaluated: 2018-11-30. Review status: criteria provided, single submitter. Criteria: ACMG Guidelines, 2015. Collection method: clinical testing. Allele origin: germline.

Ambry Genetics
Classification: Likely benign for Cardiovascular phenotype. Last evaluated: 2018-08-02. Review status: criteria provided, single submitter. Criteria: Ambry Variant Classification Scheme 2023. Collection method: clinical testing. Allele origin: germline.

Cohesion Phenomics
Classification: Benign for Hypertrophic cardiomyopathy. Last evaluated: 2022-10-10. Review status: no assertion criteria provided. Criteria: ACMG Guidelines, 2015. Collection method: clinical testing. Allele origin: germline. Affected: yes. Not counted in ClinVar's aggregate classification.

Clinical Genetics DNA and cytogenetics Diagnostics Lab, Erasmus MC, Erasmus Medical Center
Classification: Likely benign. Review status: no assertion criteria provided. Collection method: clinical testing. Allele origin: germline. Affected: yes. Study: VKGL Data-share Consensus. Not counted in ClinVar's aggregate classification.

Clinical Genetics, Academic Medical Center
Classification: Likely benign. Review status: no assertion criteria provided. Collection method: clinical testing. Allele origin: germline. Affected: yes. Study: VKGL Data-share Consensus. Not counted in ClinVar's aggregate classification.

Diagnostic Laboratory, Department of Genetics, University Medical Center Groningen
Classification: Likely benign. Review status: no assertion criteria provided. Collection method: clinical testing. Allele origin: germline. Affected: yes. Study: VKGL Data-share Consensus. Not counted in ClinVar's aggregate classification.

Joint Genome Diagnostic Labs from Nijmegen and Maastricht, Radboudumc and MUMC+
Classification: Likely benign. Review status: no assertion criteria provided. Collection method: clinical testing. Allele origin: germline. Affected: yes. Study: VKGL Data-share Consensus. Not counted in ClinVar's aggregate classification.

Literature cited by the submitters: PubMed 22958901 (cited by Mayo Clinic Laboratories, Mayo Clinic and Women's Health and Genetics/Laboratory Corporation of America, LabCorp); PubMed 32746448 (cited by Mayo Clinic Laboratories, Mayo Clinic and Women's Health and Genetics/Laboratory Corporation of America, LabCorp); PubMed 37652022 (cited by Mayo Clinic Laboratories, Mayo Clinic).

NM_000256.3(MYBPC3):c.2914C>T (p.Arg972Trp)

Gene: MYBPC3 (myosin binding protein C3; minus strand). Cytogenetic location: 11p11.2.
Variant type: single nucleotide variant.
Coding change: c.2914C>T on transcript NM_000256.3 (MANE Select); coding-DNA position 2914, C replaced by T.
Protein change: p.Arg972Trp; replaces arginine 972 with tryptophan.
Molecular consequence: missense variant.
Genome position (GRCh38, 1-based): chr11:47,334,002, G>A on the plus strand (C>T on the coding strand, the complement: MYBPC3 is on the minus strand). VCF-style: chr11-47334002-G-A. GRCh37 (hg19) VCF-style: chr11-47355553-G-A.
Other names: short protein forms R972W.
Identifiers: ClinVar variation 36609 (VCV000036609.49), dbSNP rs193922382, ClinGen allele CA013190.